The following is an entry in ClinVar:

NM_024411.5(PDYN):c.41T>A (p.Met14Lys)

Genes: PDYN (prodynorphin; minus strand), PDYN-AS1 (PDYN antisense RNA 1; plus strand). Cytogenetic location: 20p13.
Variant type: single nucleotide variant.
Coding change: c.41T>A on transcript NM_024411.5 (MANE Select); coding-DNA position 41, T replaced by A.
Protein change: p.Met14Lys; replaces methionine 14 with lysine.
Molecular consequence: missense variant.
Genome position (GRCh38, 1-based): chr20:1,983,044, A>T on the plus strand (T>A on the coding strand, the complement: PDYN is on the minus strand). VCF-style: chr20-1983044-A-T. GRCh37 (hg19) VCF-style: chr20-1963690-A-T.
Other names: c.41T>A, p.Met14Lys (NM_001190892.1, NM_001190898.3, NM_001190899.2 and 1 more transcripts); short protein forms M14K.
Identifiers: ClinVar variation 2098343 (VCV002098343.4), dbSNP rs1600515313, ClinGen allele CA408005073.
Genomic context (GRCh38, chr20:1,983,044, plus strand): 5'-TGGGTCTTTACAGCACACAAGGAGCACCGCGACAGGCAGTCCGCTGTGGTGGAGGGGAAC[A>T]TGAGGAGGCAGGCAGCCAGGACCAGCCCCTGCCAGGCCATCCTGTCTCAGCAATTCCTGC-3'
Protein context (NP_077722.1, residues 4-24): QGLVLAACLL[Met14Lys]FPSTTADCLS

ClinVar aggregate classification (germline): Uncertain significance (1 of 4 stars; one submission).

Submission:

Labcorp Genetics (formerly Invitae), Labcorp
Classification: Uncertain significance. Last evaluated: 2025-02-24. Review status: criteria provided, single submitter. Criteria: Invitae Variant Classification Sherloc (09022015). Collection method: clinical testing. Allele origin: germline.
Comment: This sequence change replaces methionine, which is neutral and non-polar, with lysine, which is basic and polar, at codon 14 of the PDYN protein (p.Met14Lys). This variant is not present in population databases (gnomAD no frequency). This variant has not been reported in the literature in individuals affected with PDYN-related conditions. ClinVar contains an entry for this variant (Variation ID: 2098343). Invitae Evidence Modeling of protein sequence and biophysical properties (such as structural, functional, and spatial information, amino acid conservation, physicochemical variation, residue mobility, and thermodynamic stability) indicates that this missense variant is not expected to disrupt PDYN protein function with a negative predictive value of 80%. In summary, the available evidence is currently insufficient to determine the role of this variant in disease. Therefore, it has been classified as a Variant of Uncertain Significance.